The following is an entry in ClinVar:

ClinVar aggregate classification (germline): Likely benign. Review status: criteria provided, multiple submitters, no conflicts (2 of 4 stars). 2 submissions from 2 submitters: Likely benign (2). Last evaluated 2026-01-15.

Allele frequency attached by ClinVar (database versions not stated): ExAC 0.00001; gnomAD exomes 0.00001 and 0.00002; gnomAD 0.00004 and 0.00005; TOPMed 0.00005.
gnomAD v4.1: 26 of 1,612,830 alleles (0.0016%); highest among the groups gnomAD compares: African/African-American, 0.0027%; no homozygotes.

Submissions (2):

Labcorp Genetics (formerly Invitae), Labcorp
Classification: Likely benign. Last evaluated: 2026-01-15. Review status: criteria provided, single submitter. Criteria: Invitae Variant Classification Sherloc (09022015). Collection method: clinical testing. Allele origin: germline.

GeneDx
Classification: Likely benign. Last evaluated: 2017-09-29. Review status: criteria provided, single submitter. Criteria: GeneDx Variant Classification (06012015). Collection method: clinical testing. Allele origin: germline. Affected: yes.
Comment: This variant is considered likely benign or benign based on one or more of the following criteria: it is a conservative change, it occurs at a poorly conserved position in the protein, it is predicted to be benign by multiple in silico algorithms, and/or has population frequency not consistent with disease.

NM_016239.4(MYO15A):c.3261C>T (p.Ala1087=)

Gene: MYO15A (myosin XVA; plus strand). Cytogenetic location: 17p11.2.
Variant type: single nucleotide variant.
Coding change: c.3261C>T on transcript NM_016239.4 (MANE Select); coding-DNA position 3261, C replaced by T.
Protein change: p.Ala1087=; no amino-acid change (alanine 1087 retained).
Molecular consequence: synonymous variant.
Genome position (GRCh38, 1-based): chr17:18,122,061, C>T. VCF-style: chr17-18122061-C-T. GRCh37 (hg19) VCF-style: chr17-18025375-C-T.
Identifiers: ClinVar variation 512049 (VCV000512049.5), dbSNP rs776352434, ClinGen allele CA8423414.